The following is an entry in ClinVar:

ClinVar aggregate classification (germline): Uncertain significance. Review status: criteria provided, multiple submitters, no conflicts (2 of 4 stars). 2 submissions from 2 submitters: Uncertain significance (2). Last evaluated 2024-08-07.

Conditions:
Inborn genetic diseases. Identifiers: MedGen C0950123, MeSH D030342.

Allele frequency attached by ClinVar (database versions not stated): gnomAD 0.00001; gnomAD exomes 0.00002 and 0.00010; TOPMed 0.00005; ExAC 0.00009.

Submissions (2):

Ambry Genetics
Classification: Uncertain significance for Inborn genetic diseases. Last evaluated: 2024-08-07. Review status: criteria provided, single submitter. Criteria: Ambry Variant Classification Scheme 2023. Collection method: clinical testing. Allele origin: germline.

GeneDx
Classification: Uncertain significance. Last evaluated: 2022-02-22. Review status: criteria provided, single submitter. Criteria: GeneDx Variant Classification Process June 2021. Collection method: clinical testing. Allele origin: germline. Affected: yes.
Comment: In silico analysis supports that this missense variant does not alter protein structure/function; Has not been previously published as pathogenic or benign to our knowledge

NM_012463.4(ATP6V0A2):c.604G>A (p.Val202Met)

Gene: ATP6V0A2 (ATPase H+ transporting V0 subunit a2; plus strand). Cytogenetic location: 12q24.31.
Variant type: single nucleotide variant.
Coding change: c.604G>A on transcript NM_012463.4 (MANE Select); coding-DNA position 604, G replaced by A.
Protein change: p.Val202Met; replaces valine 202 with methionine.
Molecular consequence: missense variant.
Genome position (GRCh38, 1-based): chr12:123,727,865, G>A. VCF-style: chr12-123727865-G-A. GRCh37 (hg19) VCF-style: chr12-124212412-G-A.
Other names: short protein forms V202M.
Identifiers: ClinVar variation 383715 (VCV000383715.5), dbSNP rs776619252, ClinGen allele CA6861674.